The following is an entry in ClinVar:

ClinVar aggregate classification (germline): Likely benign. Review status: criteria provided, single submitter (1 of 4 stars). 2 submissions from 2 submitters: Likely benign (1). 1 of the submissions does not count toward it. Last evaluated 2022-08-31.

Conditions:
LAMA5-related disorder. Also called: LAMA5-related condition; LAMA5-Related Disorders.

Allele frequency attached by ClinVar (database versions not stated): ExAC 0.00003.
gnomAD v4.1: 49 of 1,612,298 alleles (0.003%); highest among the groups gnomAD compares: Admixed American, 0.017%; no homozygotes.

Submissions (2):

Labcorp Genetics (formerly Invitae), Labcorp
Classification: Likely benign. Last evaluated: 2022-08-31. Review status: criteria provided, single submitter. Criteria: Invitae Variant Classification Sherloc (09022015). Collection method: clinical testing. Allele origin: germline.

PreventionGenetics, part of Exact Sciences
Classification: Likely benign for LAMA5-related condition. Last evaluated: 2022-12-19. Review status: no assertion criteria provided. Collection method: clinical testing. Allele origin: germline. Not counted in ClinVar's aggregate classification.
Comment: This variant is classified as likely benign based on ACMG/AMP sequence variant interpretation guidelines (Richards et al. 2015 PMID: 25741868, with internal and published modifications).

NM_005560.6(LAMA5):c.10725C>T (p.Thr3575=)

Gene: LAMA5 (laminin subunit alpha 5; minus strand). Cytogenetic location: 20q13.33.
Variant type: single nucleotide variant.
Coding change: c.10725C>T on transcript NM_005560.6 (MANE Select); coding-DNA position 10725, C replaced by T.
Protein change: p.Thr3575=; no amino-acid change (threonine 3575 retained).
Molecular consequence: synonymous variant.
Genome position (GRCh38, 1-based): chr20:62,310,187, G>A on the plus strand (C>T on the coding strand, the complement: LAMA5 is on the minus strand). VCF-style: chr20-62310187-G-A. GRCh37 (hg19) VCF-style: chr20-60885243-G-A.
Other names: c.10725C>T (NM_005560.4).
Identifiers: ClinVar variation 2167210 (VCV002167210.6), dbSNP rs768417939, ClinGen allele CA9939671.